The following is an entry in ClinVar:

NM_001100.4(ACTA1):c.617-5C>A

Gene: ACTA1 (actin alpha 1, skeletal muscle; minus strand). Cytogenetic location: 1q42.13.
Variant type: single nucleotide variant.
Coding change: c.617-5C>A on transcript NM_001100.4 (MANE Select); 5 bases into the intron before coding-DNA position 617, C replaced by A.
Molecular consequence: intron variant.
Genome position (GRCh38, 1-based): chr1:229,432,190, G>T on the plus strand (C>A on the coding strand, the complement: ACTA1 is on the minus strand). VCF-style: chr1-229432190-G-T. GRCh37 (hg19) VCF-style: chr1-229567937-G-T.
Other names: c.617-5C>A (NM_001100.3).
Identifiers: ClinVar variation 1051987 (VCV001051987.14), dbSNP rs199804338, ClinGen allele CA2499214555.

ClinVar aggregate classification (germline): Likely pathogenic. Review status: reviewed by expert panel (3 of 4 stars). 4 submissions from 4 submitters: Likely pathogenic (1). 3 of the submissions do not count toward it. Last evaluated 2026-04-13.

Conditions:
Actin accumulation myopathy (CMYO2A). Also called: CONGENITAL MYOPATHY 2A, TYPICAL, AUTOSOMAL DOMINANT; Myopathy, actin, congenital, with cores; Nemaline myopathy 3, with intranuclear rods; Nemaline myopathy type 3; Myopathy, actin, congenital, with excess of thin myofilaments. Identifiers: Orphanet 98904, MedGen C3711389, MONDO:0008070, OMIM 161800.
Alpha-actinopathy. Also called: Actinopathy. Identifiers: MedGen CN295279, MONDO:0100084.

Submissions (4):

ClinGen Congenital Myopathies Variant Curation Expert Panel, ClinGen
Classification: Likely pathogenic for Alpha-actinopathy. Last evaluated: 2026-04-13. Review status: reviewed by expert panel. Criteria: ClinGen CongenMyopathy ACMG Specifications ACTA1_AD_ V2.0.0. Collection method: curation. Allele origin: germline. Inheritance: Autosomal dominant inheritance.
Comment: The NM_001100.4:c.617-5C>A variant in ACTA1 is an intronic variant in the 3’ non-canonical splice site of intron 4. This variant is predicted to create a cryptic splice site, and add one amino acid (Ala) translated from intron 4 to the mature protein, but the exact impact is unknown because no functional studies have been performed. This variant is absent from gnomAD v4.1.0 (PM2_Supporting). The computational predictor SpliceAI gives a score of 1 predicting an acceptor gain, which is above the threshold of 0.5, evidence that correlates with impact to ACTA1 function (PP3). This variant has been reported in at least four individuals with myopathy (PS4_Moderate; PMID: 19562689; Labcorp Genetics, SCV001556001.6; GeneDx, SCV001986137.2). The variant has been reported to segregate with myopathy in five affected family members from two families (PP1_Strong, Labcorp Genetics, SCV001556001.2). In summary, this variant meets the criteria to be classified as likely pathogenic for autosomal dominant alpha-actinopathy based on the ACMG/AMP criteria applied, as specified by the ClinGen Congenital Myopathies VCEP: PP1_Strong, PS4_Moderate, PM2_Supporting, PP3 (ClinGen Congenital Myopathies VCEP specifications version 2.0.0)

Revvity Omics, Revvity
Classification: Uncertain significance. Last evaluated: 2025-05-27. Review status: criteria provided, single submitter. Criteria: ACMG Guidelines, 2015. Collection method: clinical testing. Allele origin: germline. Not counted in ClinVar's aggregate classification.

Labcorp Genetics (formerly Invitae), Labcorp
Classification: Likely pathogenic for Actin accumulation myopathy. Last evaluated: 2025-05-19. Review status: criteria provided, single submitter. Criteria: Invitae Variant Classification Sherloc (09022015). Collection method: clinical testing. Allele origin: germline. Not counted in ClinVar's aggregate classification.
Comment: This sequence change falls in intron 4 of the ACTA1 gene. It does not directly change the encoded amino acid sequence of the ACTA1 protein. This variant is not present in population databases (gnomAD no frequency). This variant has been observed in individuals with autosomal dominant nemaline myopathy (PMID: 19562689; internal data). It has also been observed to segregate with disease in related individuals. ClinVar contains an entry for this variant (Variation ID: 1051987). Algorithms developed to predict the effect of sequence changes on RNA splicing suggest that this variant may disrupt the consensus splice site. In summary, the currently available evidence indicates that the variant is pathogenic, but additional data are needed to prove that conclusively. Therefore, this variant has been classified as Likely Pathogenic.

GeneDx
Classification: Uncertain significance. Last evaluated: 2021-04-19. Review status: criteria provided, single submitter. Criteria: GeneDx Variant Classification Process June 2021. Collection method: clinical testing. Allele origin: germline. Affected: yes. Not counted in ClinVar's aggregate classification.
Comment: Not observed in large population cohorts (Lek et al., 2016); In silico analysis supports a deleterious effect on splicing; This variant is associated with the following publications: (PMID: 19562689)

Literature cited by the submitters: PubMed 19562689 (cited by Labcorp Genetics (formerly Invitae), Labcorp).